The following is an entry in ClinVar:

NM_021784.5(FOXA2):c.275C>T (p.Ala92Val)

Gene: FOXA2 (forkhead box A2; minus strand). Cytogenetic location: 20p11.21.
Variant type: single nucleotide variant.
Coding change: c.275C>T on transcript NM_021784.5 (MANE Select); coding-DNA position 275, C replaced by T.
Protein change: p.Ala92Val; replaces alanine 92 with valine.
Molecular consequence: missense variant.
Genome position (GRCh38, 1-based): chr20:22,582,967, G>A on the plus strand (C>T on the coding strand, the complement: FOXA2 is on the minus strand). VCF-style: chr20-22582967-G-A. GRCh37 (hg19) VCF-style: chr20-22563605-G-A.
Other names: c.275C>T (NM_021784.4); c.257C>T, p.Ala86Val (NM_153675.3); short protein forms A92V, A86V.
Identifiers: ClinVar variation 1930298 (VCV001930298.6), dbSNP rs1181353653, ClinGen allele CA408502856.

ClinVar aggregate classification (germline): Uncertain significance. Review status: criteria provided, multiple submitters, no conflicts (2 of 4 stars). 2 submissions from 2 submitters: Uncertain significance (2). Last evaluated 2025-04-10.

Conditions:
Inborn genetic diseases. Identifiers: MedGen C0950123, MeSH D030342.

Submissions (2):

Ambry Genetics
Classification: Uncertain significance for Inborn genetic diseases. Last evaluated: 2025-04-10. Review status: criteria provided, single submitter. Criteria: Ambry Variant Classification Scheme 2023. Collection method: clinical testing. Allele origin: germline.

Labcorp Genetics (formerly Invitae), Labcorp
Classification: Uncertain significance. Last evaluated: 2022-06-13. Review status: criteria provided, single submitter. Criteria: Invitae Variant Classification Sherloc (09022015). Collection method: clinical testing. Allele origin: germline.
Comment: In summary, the available evidence is currently insufficient to determine the role of this variant in disease. Therefore, it has been classified as a Variant of Uncertain Significance. Algorithms developed to predict the effect of missense changes on protein structure and function are either unavailable or do not agree on the potential impact of this missense change (SIFT: "Deleterious"; PolyPhen-2: "Probably Damaging"; Align-GVGD: "Class C0"). This variant has not been reported in the literature in individuals affected with FOXA2-related conditions. This variant is not present in population databases (gnomAD no frequency). This sequence change replaces alanine, which is neutral and non-polar, with valine, which is neutral and non-polar, at codon 92 of the FOXA2 protein (p.Ala92Val).